The following is an entry in ClinVar:

NM_001715.3(BLK):c.1082T>G (p.Leu361Arg)

Gene: BLK (BLK proto-oncogene, Src family tyrosine kinase). Cytogenetic location: 8p23.1.
Variant type: single nucleotide variant.
Coding change: c.1082T>G on transcript NM_001715.3 (MANE Select); coding-DNA position 1082, T replaced by G.
Protein change: p.Leu361Arg; replaces leucine 361 with arginine.
Molecular consequence: missense variant.
Genome position (GRCh38, 1-based): chr8:11,561,354, T>G. VCF-style: chr8-11561354-T-G. GRCh37 (hg19) VCF-style: chr8-11418863-T-G.
Other names: c.869T>G, p.Leu290Arg (NM_001330465.2); short protein forms L290R, L361R.
Identifiers: ClinVar variation 2992153 (VCV002992153.3), dbSNP rs763350654, ClinGen allele CA4630370.
Genomic context (GRCh38, chr8:11,561,354, plus strand): 5'-TCCCTCAGATTGCTGAAGGGATGGCATACATTGAGCGCATGAATTCCATCCACCGCGACC[T>G]GCGGGCGGCCAACATCCTGGTGTCTGAGGCCTTGTGCTGCAAAATTGCTGATTTTGGCTT-3'
Protein context (NP_001706.2, residues 351-371): IERMNSIHRD[Leu361Arg]RAANILVSEA

ClinVar aggregate classification (germline): Uncertain significance (1 of 4 stars; one submission).

Allele frequency attached by ClinVar (database versions not stated): ExAC 0.00001; gnomAD 0.00001; TOPMed 0.00002.
gnomAD v4.1: 7 of 1,613,978 alleles (0.00043%); highest among the groups gnomAD compares: Non-Finnish European, 0.00042%; no homozygotes.

Submission:

Labcorp Genetics (formerly Invitae), Labcorp
Classification: Uncertain significance. Last evaluated: 2022-10-19. Review status: criteria provided, single submitter. Criteria: Invitae Variant Classification Sherloc (09022015). Collection method: clinical testing. Allele origin: germline.
Comment: This variant is present in population databases (rs763350654, gnomAD 0.009%). This sequence change replaces leucine, which is neutral and non-polar, with arginine, which is basic and polar, at codon 361 of the BLK protein (p.Leu361Arg). This variant has not been reported in the literature in individuals affected with BLK-related conditions. In summary, the available evidence is currently insufficient to determine the role of this variant in disease. Therefore, it has been classified as a Variant of Uncertain Significance. Algorithms developed to predict the effect of missense changes on protein structure and function (SIFT, PolyPhen-2, Align-GVGD) all suggest that this variant is likely to be disruptive.